The following is an entry in ClinVar:

NM_007254.4(PNKP):c.1325G>C (p.Gly442Ala)

Gene: PNKP (polynucleotide kinase 3'-phosphatase; minus strand). Cytogenetic location: 19q13.33.
Variant type: single nucleotide variant.
Coding change: c.1325G>C on transcript NM_007254.4 (MANE Select); coding-DNA position 1325, G replaced by C.
Protein change: p.Gly442Ala; replaces glycine 442 with alanine.
Molecular consequence: missense variant.
Genome position (GRCh38, 1-based): chr19:49,861,669, C>G on the plus strand (G>C on the coding strand, the complement: PNKP is on the minus strand). VCF-style: chr19-49861669-C-G. GRCh37 (hg19) VCF-style: chr19-50364926-C-G.
Other names: c.1325G>C (NM_007254.3); short protein forms G442A.
Identifiers: ClinVar variation 450843 (VCV000450843.3), dbSNP rs1360064159, ClinGen allele CA406933214.

ClinVar aggregate classification (germline): Uncertain significance. Review status: criteria provided, multiple submitters, no conflicts (2 of 4 stars). 2 submissions from 2 submitters: Uncertain significance (2). Last evaluated 2025-08-12.

Conditions:
Inborn genetic diseases. Identifiers: MedGen C0950123, MeSH D030342.

Allele frequency attached by ClinVar (database versions not stated): TOPMed below 0.00001; gnomAD exomes 0.00001.
gnomAD v4.1: 1 of 1,548,248 alleles (0.000065%); highest among the groups gnomAD compares: African/African-American, 0.0014%; no homozygotes.

Submissions (2):

Ambry Genetics
Classification: Uncertain significance for Inborn genetic diseases. Last evaluated: 2025-08-12. Review status: criteria provided, single submitter. Criteria: Ambry Variant Classification Scheme 2023. Collection method: clinical testing. Allele origin: germline.

GeneDx
Classification: Uncertain significance. Last evaluated: 2017-07-21. Review status: criteria provided, single submitter. Criteria: GeneDx Variant Classification (06012015). Collection method: clinical testing. Allele origin: germline. Affected: yes.
Comment: A variant of uncertain significance has been identified in the PNKP gene. The G442A variant has not been published as a pathogenic variant, nor has it been reported as a benign variant to our knowledge. The G442A variant is not observed in large population cohorts (Lek et al., 2016; 1000 Genomes Consortium et al., 2015; Exome Variant Server). The G442A variant is a conservative amino acid substitution, which is not likely to impact secondary protein structure as these residues share similar properties. This substitution occurs at a position where amino acids with similar properties to Glycine are tolerated across species. In silico analysis is inconsistent in its predictions as to whether or not the variant is damaging to the protein structure/function. Therefore, based on the currently available information, it is unclear whether this variant is a pathogenic variant or a rare benign variant.